The following is an entry in ClinVar:

NM_000038.6(APC):c.1488A>G (p.Thr496=)

Gene: APC (APC regulator of Wnt signaling pathway; plus strand). Cytogenetic location: 5q22.2.
Variant type: single nucleotide variant.
Coding change: c.1488A>G on transcript NM_000038.6 (MANE Select); coding-DNA position 1488, A replaced by G.
Protein change: p.Thr496=; no amino-acid change (threonine 496 retained).
Molecular consequence: synonymous variant.
Genome position (GRCh38, 1-based): chr5:112,827,187, A>G. VCF-style: chr5-112827187-A-G. GRCh37 (hg19) VCF-style: chr5-112162884-A-G.
Other names: c.1488A>G, p.Thr496= (NM_001127510.3, NM_001354895.2); c.1434A>G, p.Thr478= (NM_001127511.3); c.1542A>G, p.Thr514= (NM_001354896.2); c.1518A>G, p.Thr506= (NM_001354897.2); c.1413A>G, p.Thr471= (NM_001354898.2); c.1404A>G, p.Thr468= (NM_001354899.2); c.1365A>G, p.Thr455= (NM_001354900.2); c.1311A>G, p.Thr437= (NM_001354901.2); and 5 more.
Identifiers: ClinVar variation 1332062 (VCV001332062.3), dbSNP rs9282599, ClinGen allele CA445755998.

ClinVar aggregate classification (germline): Benign/Likely benign. Review status: criteria provided, multiple submitters, no conflicts (2 of 4 stars). 2 submissions from 2 submitters: Benign (1); Likely benign (1). Last evaluated 2024-03-01.

Conditions:
Familial adenomatous polyposis 1 (FAP1). Also called: POLYPOSIS, ADENOMATOUS INTESTINAL; FAMILIAL ADENOMATOUS POLYPOSIS 1, ATTENUATED. Identifiers: MedGen C2713442, MONDO:0021056, OMIM 175100. Disease mechanism: loss of function.
Hereditary cancer-predisposing syndrome. Also called: Tumor predisposition; Hereditary Cancer Syndrome; Neoplastic Syndromes, Hereditary; Hereditary neoplastic syndrome. Identifiers: Orphanet 140162, MedGen C0027672, MeSH D009386, MONDO:0015356.

gnomAD v4.1: 1 of 1,613,964 alleles (0.000062%); highest among the groups gnomAD compares: East Asian, 0.0022%; no homozygotes.

Submissions (2):

Myriad Genetics, Inc.
Classification: Benign for Familial adenomatous polyposis 1. Last evaluated: 2024-03-01. Review status: criteria provided, single submitter. Criteria: Myriad Autosomal Dominant, Autosomal Recessive and X-Linked Classification Criteria (2023). Collection method: clinical testing. Allele origin: unknown.
Comment: This variant is considered benign. This variant is a silent/synonymous amino acid change and it is not expected to impact splicing.

Color Diagnostics, LLC DBA Color Health
Classification: Likely benign for Hereditary cancer-predisposing syndrome. Last evaluated: 2021-06-14. Review status: criteria provided, single submitter. Criteria: ACMG Guidelines, 2015. Collection method: clinical testing. Allele origin: germline.